The following is an entry in ClinVar:

NM_004991.4(MECOM):c.1686G>T (p.Glu562Asp)

Gene: MECOM (MDS1 and EVI1 complex locus; minus strand). Cytogenetic location: 3q26.2.
Variant type: single nucleotide variant.
Coding change: c.1686G>T on transcript NM_004991.4 (MANE Select); coding-DNA position 1686, G replaced by T.
Protein change: p.Glu562Asp; replaces glutamic acid 562 with aspartic acid.
Molecular consequence: missense variant. On other transcripts: intron variant (2).
Genome position (GRCh38, 1-based): chr3:169,116,186, C>A on the plus strand (G>T on the coding strand, the complement: MECOM is on the minus strand). VCF-style: chr3-169116186-C-A. GRCh37 (hg19) VCF-style: chr3-168833974-C-A.
Other names: c.1317G>T, p.Glu439Asp (NM_001105077.4); c.1122G>T, p.Glu374Asp (NM_001105078.4, NM_001164000.2, NM_001205194.2 and 4 more transcripts); c.1125G>T, p.Glu375Asp (NM_001163999.2, NM_001366467.2, NM_001366468.2 and 1 more transcripts); c.1686G>T, p.Glu562Asp (NM_001366466.2); c.1133-419G>T (NM_001366473.2); c.569-419G>T (NM_001366474.2); short protein forms E439D, E374D, E375D, E562D.
Identifiers: ClinVar variation 4053213 (VCV004053213.1).

ClinVar aggregate classification (germline): Uncertain significance (1 of 4 stars; one submission).

Conditions:
Inborn genetic diseases. Identifiers: MedGen C0950123, MeSH D030342.

gnomAD v4.1: 5 of 1,614,182 alleles (0.00031%); highest among the groups gnomAD compares: East Asian, 0.011%; no homozygotes.

Submission:

Ambry Genetics
Classification: Uncertain significance for Inborn genetic diseases. Last evaluated: 2025-04-20. Review status: criteria provided, single submitter. Criteria: Ambry Variant Classification Scheme 2023. Collection method: clinical testing. Allele origin: germline.
Comment: The p.E562D variant (also known as c.1686G>T), located in coding exon 8 of the MECOM gene, results from a G to T substitution at nucleotide position 1686. The glutamic acid at codon 562 is replaced by aspartic acid, an amino acid with highly similar properties. This amino acid position is conserved. In addition, this alteration is predicted to be tolerated by in silico analysis. Based on the available evidence, the clinical significance of this variant remains unclear.